The following is an entry in ClinVar:

ClinVar aggregate classification (germline): Uncertain significance (1 of 4 stars; one submission).

Conditions:
Werner syndrome (WRN). Identifiers: Orphanet 902, MedGen C0043119, MONDO:0010196, OMIM 277700.

Submission:

Labcorp Genetics (formerly Invitae), Labcorp
Classification: Uncertain significance for Werner syndrome. Last evaluated: 2022-08-21. Review status: criteria provided, single submitter. Criteria: Invitae Variant Classification Sherloc (09022015). Collection method: clinical testing. Allele origin: germline.
Comment: Algorithms developed to predict the effect of missense changes on protein structure and function are either unavailable or do not agree on the potential impact of this missense change (SIFT: "Not Available"; PolyPhen-2: "Probably Damaging"; Align-GVGD: "Not Available"). In summary, the available evidence is currently insufficient to determine the role of this variant in disease. Therefore, it has been classified as a Variant of Uncertain Significance. This variant has not been reported in the literature in individuals affected with WRN-related conditions. This variant is not present in population databases (gnomAD no frequency). This sequence change replaces histidine, which is basic and polar, with tyrosine, which is neutral and polar, at codon 838 of the WRN protein (p.His838Tyr).

NM_000553.6(WRN):c.2512C>T (p.His838Tyr)

Gene: WRN (WRN RecQ like helicase; plus strand). Cytogenetic location: 8p12.
Variant type: single nucleotide variant.
Coding change: c.2512C>T on transcript NM_000553.6 (MANE Select); coding-DNA position 2512, C replaced by T.
Protein change: p.His838Tyr; replaces histidine 838 with tyrosine.
Molecular consequence: missense variant.
Genome position (GRCh38, 1-based): chr8:31,120,306, C>T. VCF-style: chr8-31120306-C-T. GRCh37 (hg19) VCF-style: chr8-30977822-C-T.
Other names: short protein forms H838Y.
Identifiers: ClinVar variation 2155062 (VCV002155062.4), dbSNP rs2535986448, ClinGen allele CA370915376.